The following is an entry in ClinVar:

ClinVar aggregate classification (germline): Uncertain significance (1 of 4 stars; one submission).

Conditions:
Costello syndrome (CSTLO). Also called: FCS SYNDROME; FACIOCUTANEOSKELETAL SYNDROME; HRAS-Related Costello Syndrome. Identifiers: Orphanet 3071, MedGen C0587248, MONDO:0009026, OMIM 218040.

Submission:

Labcorp Genetics (formerly Invitae), Labcorp
Classification: Uncertain significance for Costello syndrome. Last evaluated: 2023-05-19. Review status: criteria provided, single submitter. Criteria: Invitae Variant Classification Sherloc (09022015). Collection method: clinical testing. Allele origin: germline.
Comment: This sequence change replaces threonine, which is neutral and polar, with lysine, which is basic and polar, at codon 158 of the HRAS protein (p.Thr158Lys). In summary, the available evidence is currently insufficient to determine the role of this variant in disease. Therefore, it has been classified as a Variant of Uncertain Significance. Advanced modeling of protein sequence and biophysical properties (such as structural, functional, and spatial information, amino acid conservation, physicochemical variation, residue mobility, and thermodynamic stability) performed at Invitae indicates that this missense variant is not expected to disrupt HRAS protein function. This variant has not been reported in the literature in individuals affected with HRAS-related conditions. This variant is not present in population databases (gnomAD no frequency).

NM_005343.4(HRAS):c.473C>A (p.Thr158Lys)

Genes: HRAS (HRas proto-oncogene, GTPase; minus strand), LRRC56 (leucine rich repeat containing 56; plus strand). Cytogenetic location: 11p15.5.
Variant type: single nucleotide variant.
Coding change: c.473C>A on transcript NM_005343.4 (MANE Select); coding-DNA position 473, C replaced by A.
Protein change: p.Thr158Lys; replaces threonine 158 with lysine.
Molecular consequence: missense variant. On other transcripts: 3 prime UTR variant (1).
Genome position (GRCh38, 1-based): chr11:532,733, G>T on the plus strand (C>A on the coding strand, the complement: HRAS is on the minus strand). VCF-style: chr11-532733-G-T. GRCh37 (hg19) VCF-style: chr11-532733-G-T.
Other names: c.473C>A, p.Thr158Lys (NM_001130442.3); c.236C>A, p.Thr79Lys (NM_001318054.2); c.*42C>A (NM_176795.5); short protein forms T158K, T79K.
Identifiers: ClinVar variation 3015521 (VCV003015521.3), dbSNP rs587778400, ClinGen allele CA378921186.